The following is an entry in ClinVar:

NM_001134363.3(RBM20):c.1690dup (p.Thr564fs)

Gene: RBM20 (RNA binding motif protein 20; plus strand). Cytogenetic location: 10q25.2.
Variant type: Duplication.
Coding change: c.1690dup on transcript NM_001134363.3 (MANE Select); coding-DNA position 1690, one base duplicated (A; older notation c.1690dupA).
Protein change: p.Thr564fs; shifts the reading frame from threonine 564.
Molecular consequence: frameshift variant.
Genome position (GRCh38, 1-based): chr10:110,799,808, A duplicated. VCF-style (leftmost placement, unchanged base first): chr10-110799807-C-CA. GRCh37 (hg19) VCF-style: chr10-112559565-C-CA.
Other names: c.1690dupA (NM_001134363.1); short protein forms T564fs.
Identifiers: ClinVar variation 3431243 (VCV003431243.1).
Genomic context (GRCh38, chr10:110,799,807, plus strand): 5'-TAAAGTCAAGTCCAGTGAGTGTCCTTCCTTTCTTTCTTAGGCCTTTTTAGAGATGGCTTA[C>CA]ACAGAAGCTGCACAGGCCATGGTCCAGTATTATCAAGAAAAATCTGCTGTGATCAATGGT-3'

ClinVar aggregate classification (germline): Uncertain significance (1 of 4 stars; one submission).

Conditions:
Cardiovascular phenotype. Identifiers: MedGen CN230736.

Submission:

Ambry Genetics
Classification: Uncertain significance for Cardiovascular phenotype. Last evaluated: 2024-10-30. Review status: criteria provided, single submitter. Criteria: Ambry Variant Classification Scheme 2023. Collection method: clinical testing. Allele origin: germline.
Comment: The c.1690dupA variant, located in coding exon 7 of the RBM20 gene, results from a duplication of A at nucleotide position 1690, causing a translational frameshift with a predicted alternate stop codon (p.T564Nfs*21). This alteration is expected to result in protein truncation or nonsense-mediated mRNA decay. However, loss of function of RBM20 has not been established as a mechanism of disease. Based on the available evidence, the clinical significance of this alteration remains unclear.